The following is an entry in ClinVar:

NM_002292.4(LAMB2):c.77-9T>C

Gene: LAMB2 (laminin subunit beta 2; minus strand). Cytogenetic location: 3p21.31.
Variant type: single nucleotide variant.
Coding change: c.77-9T>C on transcript NM_002292.4 (MANE Select); 9 bases into the intron before coding-DNA position 77, T replaced by C.
Molecular consequence: intron variant.
Genome position (GRCh38, 1-based): chr3:49,132,672, A>G on the plus strand (T>C on the coding strand, the complement: LAMB2 is on the minus strand). VCF-style: chr3-49132672-A-G. GRCh37 (hg19) VCF-style: chr3-49170105-A-G.
Other names: c.77-9T>C (NM_002292.3).
Identifiers: ClinVar variation 1117714 (VCV001117714.9), dbSNP rs563352159, ClinGen allele CA2395054.

ClinVar aggregate classification (germline): Likely benign. Review status: criteria provided, single submitter (1 of 4 stars). 2 submissions from 2 submitters: Likely benign (1). 1 of the submissions does not count toward it. Last evaluated 2026-01-11.

Conditions:
LAMB2-related infantile-onset nephrotic syndrome. Also called: Nephrotic Syndrome, type 5; NEPHROTIC SYNDROME, TYPE 5, WITHOUT OCULAR ABNORMALITIES; NEPHROTIC SYNDROME, TYPE 5, WITH OCULAR ABNORMALITIES. Identifiers: Orphanet 306507, MedGen C3280113, MONDO:0013621, OMIM 614199.
Pierson syndrome. Also called: MICROCORIA-CONGENITAL NEPHROTIC SYNDROME. Identifiers: Orphanet 2670, MedGen C1836876, MONDO:0012184, OMIM 609049.
LAMB2-related disorder. Also called: LAMB2-related condition.

Allele frequency attached by ClinVar (database versions not stated): gnomAD 0.00001 and 0.00002; ExAC 0.00002; gnomAD exomes 0.00002; TOPMed 0.00002; 1000 Genomes Project 30x 0.00031; 1000 Genomes Project 0.00040.
gnomAD v4.1: 21 of 1,614,218 alleles (0.0013%); highest among the groups gnomAD compares: Admixed American, 0.022%; no homozygotes.

Submissions (2):

Labcorp Genetics (formerly Invitae), Labcorp
Classification: Likely benign for LAMB2-related infantile-onset nephrotic syndrome; Pierson syndrome. Last evaluated: 2026-01-11. Review status: criteria provided, single submitter. Criteria: Invitae Variant Classification Sherloc (09022015). Collection method: clinical testing. Allele origin: germline.

PreventionGenetics, part of Exact Sciences
Classification: Likely benign for LAMB2-related condition. Last evaluated: 2020-10-21. Review status: no assertion criteria provided. Collection method: clinical testing. Allele origin: germline. Not counted in ClinVar's aggregate classification.
Comment: This variant is classified as likely benign based on ACMG/AMP sequence variant interpretation guidelines (Richards et al. 2015 PMID: 25741868, with internal and published modifications).